The following is an entry in ClinVar:

NM_001042545.2(LTBP4):c.4595C>T (p.Ser1532Phe)

Gene: LTBP4 (latent transforming growth factor beta binding protein 4; plus strand). Cytogenetic location: 19q13.2.
Variant type: single nucleotide variant.
Coding change: c.4595C>T on transcript NM_001042545.2 (MANE Select); coding-DNA position 4595, C replaced by T.
Protein change: p.Ser1532Phe; replaces serine 1532 with phenylalanine.
Molecular consequence: missense variant.
Genome position (GRCh38, 1-based): chr19:40,629,471, C>T. VCF-style: chr19-40629471-C-T. GRCh37 (hg19) VCF-style: chr19-41135376-C-T.
Other names: c.4796C>T, p.Ser1599Phe (NM_001042544.1); c.4685C>T, p.Ser1562Phe (NM_003573.2); short protein forms S1532F, S1562F, S1599F.
Identifiers: ClinVar variation 393073 (VCV000393073.50), dbSNP rs199514354, ClinGen allele CA9449388.

ClinVar aggregate classification (germline): Likely benign. Review status: criteria provided, multiple submitters, no conflicts (2 of 4 stars). 3 submissions from 3 submitters: Likely benign (3). Last evaluated 2026-02-01.

Allele frequency attached by ClinVar (database versions not stated): 1000 Genomes Project 30x 0.00094; 1000 Genomes Project 0.00120; ExAC 0.00121; gnomAD exomes 0.00122 and 0.00202; ESP Exome Variant Server 0.00124; gnomAD 0.00134 and 0.00135; TOPMed 0.00144.
gnomAD v4.1: 3,126 of 1,609,374 alleles (0.19%); highest among the groups gnomAD compares: Middle Eastern, 0.38%; 3 homozygotes.

Submissions (3):

Labcorp Genetics (formerly Invitae), Labcorp
Classification: Likely benign. Last evaluated: 2026-02-01. Review status: criteria provided, single submitter. Criteria: Invitae Variant Classification Sherloc (09022015). Collection method: clinical testing. Allele origin: germline.

CeGaT Center for Human Genetics Tuebingen
Classification: Likely benign. Last evaluated: 2024-07-01. Review status: criteria provided, single submitter. Criteria: CeGaT Center For Human Genetics Tuebingen Variant Classification Criteria Version 2. Collection method: clinical testing. Allele origin: germline. Affected: yes. Observed: 7 variant alleles.
Comment: LTBP4: BS1

GeneDx
Classification: Likely benign. Last evaluated: 2020-12-15. Review status: criteria provided, single submitter. Criteria: GeneDx Variant Classification Process June 2021. Collection method: clinical testing. Allele origin: germline. Affected: yes.